The following is an entry in ClinVar:

ClinVar aggregate classification (germline): Conflicting classifications of pathogenicity. Review status: criteria provided, conflicting classifications (1 of 4 stars). 2 submissions from 2 submitters: Uncertain significance (1); Likely benign (1). Last evaluated 2026-05-01.

Conditions:
Dicarboxylic aminoaciduria (DCBXA). Also called: GLUTAMATE-ASPARTATE TRANSPORT DEFECT. Identifiers: Orphanet 2195, MedGen C1857253, MONDO:0009110, OMIM 222730.

Allele frequency attached by ClinVar (database versions not stated): ExAC 0.00002; gnomAD exomes 0.00004; gnomAD 0.00005 and 0.00006; TOPMed 0.00007; ESP Exome Variant Server 0.00015.

Submissions (2):

CeGaT Center for Human Genetics Tuebingen
Classification: Likely benign. Last evaluated: 2026-05-01. Review status: criteria provided, single submitter. Criteria: CeGaT Center For Human Genetics Tuebingen Variant Classification Criteria Version 2. Collection method: clinical testing. Allele origin: germline. Affected: yes. Observed: 1 variant allele.
Comment: SLC1A1: BP4, BP7

Illumina Laboratory Services, Illumina
Classification: Uncertain significance for Dicarboxylic aminoaciduria. Last evaluated: 2018-01-13. Review status: criteria provided, single submitter. Criteria: ICSL Variant Classification Criteria 13 December 2019. Collection method: clinical testing. Allele origin: germline.

NM_004170.6(SLC1A1):c.1398C>T (p.Ser466=)

Gene: SLC1A1 (solute carrier family 1 member 1; plus strand). Cytogenetic location: 9p24.2.
Variant type: single nucleotide variant.
Coding change: c.1398C>T on transcript NM_004170.6 (MANE Select); coding-DNA position 1398, C replaced by T.
Protein change: p.Ser466=; no amino-acid change (serine 466 retained).
Molecular consequence: synonymous variant.
Genome position (GRCh38, 1-based): chr9:4,585,381, C>T. VCF-style: chr9-4585381-C-T. GRCh37 (hg19) VCF-style: chr9-4585381-C-T.
Identifiers: ClinVar variation 367059 (VCV000367059.7), dbSNP rs141295405, ClinGen allele CA4969352.